The following is an entry in ClinVar:

NM_002474.3(MYH11):c.4290C>G (p.Asp1430Glu)

Genes: MYH11 (myosin heavy chain 11; minus strand), NDE1 (nudE neurodevelopment protein 1; plus strand). Cytogenetic location: 16p13.11.
Variant type: single nucleotide variant.
Coding change: c.4290C>G on transcript NM_002474.3 (MANE Select); coding-DNA position 4290, C replaced by G.
Protein change: p.Asp1430Glu; replaces aspartic acid 1430 with glutamic acid.
Molecular consequence: missense variant. On other transcripts: synonymous variant (2).
Genome position (GRCh38, 1-based): chr16:15,724,236, G>C on the plus strand (C>G on the coding strand, the complement: MYH11 is on the minus strand). VCF-style: chr16-15724236-G-C. GRCh37 (hg19) VCF-style: chr16-15818093-G-C.
Other names: c.4311C>G, p.Asp1437Glu (NM_001040113.2, NM_001040114.2); c.4290C>G, p.Asp1430Glu (NM_022844.3); c.993G>C, p.Ser331= (NM_001143979.2, NM_017668.3); short protein forms D1430E, D1437E.
Identifiers: ClinVar variation 923067 (VCV000923067.5), dbSNP rs1171298608, ClinGen allele CA394857116.

ClinVar aggregate classification (germline): Uncertain significance. Review status: criteria provided, multiple submitters, no conflicts (2 of 4 stars). 2 submissions from 2 submitters: Uncertain significance (2). Last evaluated 2024-03-06.

Conditions:
Familial thoracic aortic aneurysm and aortic dissection (TAAD). Also called: Thoracic aortic aneurysms and dissections. Identifiers: Orphanet 91387, MedGen C4707243, MONDO:0019625.

Allele frequency attached by ClinVar (database versions not stated): gnomAD exomes below 0.00001.
gnomAD v4.1: 5 of 1,614,192 alleles (0.00031%); highest among the groups gnomAD compares: Non-Finnish European, 0.00042%; no homozygotes.

Submissions (2):

Color Diagnostics, LLC DBA Color Health
Classification: Uncertain significance for Familial thoracic aortic aneurysm and aortic dissection. Last evaluated: 2024-03-06. Review status: criteria provided, single submitter. Criteria: ACMG Guidelines, 2015. Collection method: clinical testing. Allele origin: germline.
Comment: This missense variant replaces aspartic acid with glutamic acid at codon 1437 of the MYH11 protein. Computational prediction tools indicate that this variant has a neutral impact on protein structure and function. To our knowledge, functional studies have not been reported for this variant. This variant has not been reported in individuals affected with MYH11-related disorders in the literature. This variant has been identified in 1/251486 chromosomes in the general population by the Genome Aggregation Database (gnomAD). The available evidence is insufficient to determine the role of this variant in disease conclusively. Therefore, this variant is classified as a Variant of Uncertain Significance.

All of Us Research Program, National Institutes of Health
Classification: Uncertain significance for Familial thoracic aortic aneurysm and aortic dissection. Last evaluated: 2024-02-22. Review status: criteria provided, single submitter. Criteria: ACMG Guidelines, 2015. Collection method: clinical testing. Allele origin: germline. Inheritance: Autosomal dominant inheritance. Observed: 1 variant allele, 1 heterozygote.
Comment: This missense variant replaces aspartic acid with glutamic acid at codon 1437 of the MYH11 protein. Computational prediction suggests that this variant may not impact protein structure and function (internally defined REVEL score threshold <= 0.5, PMID: 27666373). Splice site prediction tools suggest that this variant may not impact RNA splicing. To our knowledge, functional studies have not been reported for this variant. This variant has not been reported in individuals affected with cardiovascular disorders in the literature. This variant has been identified in 1/251486 chromosomes in the general population by the Genome Aggregation Database (gnomAD). The available evidence is insufficient to determine the role of this variant in disease conclusively. Therefore, this variant is classified as a Variant of Uncertain Significance.

This study involves interpretation of variants in research participants for the purpose of population health screening. Participant phenotype was not available at the time of variant classification. Additional details can be found in publication PMID: 35346344, PMCID: PMC8962531